The following is an entry in ClinVar:

ClinVar aggregate classification (germline): Uncertain significance (1 of 4 stars; one submission).

Submission:

Labcorp Genetics (formerly Invitae), Labcorp
Classification: Uncertain significance. Last evaluated: 2022-04-28. Review status: criteria provided, single submitter. Criteria: Invitae Variant Classification Sherloc (09022015). Collection method: clinical testing. Allele origin: germline.
Comment: A copy number gain of the genomic region encompassing the full coding sequence of the TM4SF20 gene has been identified. The boundaries of this event are unknown as they extend beyond the assayed region for this gene and therefore may encompass additional genes. As the precise location of this event is unknown, it may be in tandem or it may be located elsewhere in the genome. This variant has not been reported in the literature in individuals affected with TM4SF20-related conditions. In summary, the available evidence is currently insufficient to determine the role of this variant in disease. Therefore, it has been classified as a Variant of Uncertain Significance.

NC_000002.11:g.(?_227659726)_(228567034_?)dup

Genes: AGFG1 (ArfGAP with FG repeats 1; plus strand), C2orf83 (chromosome 2 open reading frame 83; minus strand), COL4A3 (collagen type IV alpha 3 chain; plus strand), COL4A4 (collagen type IV alpha 4 chain; minus strand), IRS1 (insulin receptor substrate 1; minus strand) and 4 more. Cytogenetic location: 2q36.3.
Variant type: Duplication.
Identifiers: ClinVar variation 2426892 (VCV002426892.3).